The following is an entry in ClinVar:

ClinVar aggregate classification (germline): Likely pathogenic (1 of 4 stars; one submission).

Conditions:
CD36-related disorder. Also called: CD36-related condition; CD36-related disorders.

gnomAD v4.1: 33 of 1,610,424 alleles (0.002%); highest among the groups gnomAD compares: Middle Eastern, 0.066%; no homozygotes.

Submissions (2):

PreventionGenetics, part of Exact Sciences
Classification: Likely pathogenic for CD36-related condition. Last evaluated: 2023-03-03. Review status: criteria provided, single submitter. Criteria: ACMG Guidelines, 2015. Collection method: clinical testing. Allele origin: germline.
Comment: The CD36 c.1255-1G>C variant is predicted to disrupt the AG splice acceptor site and interfere with normal splicing. To our knowledge, this variant has not been reported in the literature. This variant is reported in 0.010% of alleles in individuals of East Asian descent in gnomAD. Variants that disrupt a consensus splice acceptor site in CD36 are expected to be pathogenic. Although this change is expected to alter splicing of the terminal exon, calling its relevance into question, other early termination changes have been documented in association with disease downstream (Li et al. 2015. PubMed ID: 25330908; ClinVar Database). This variant is interpreted as likely pathogenic.

Dr. Peter K. Rogan Lab, Western University
No classification provided (evidence only). Condition: Nonpapillary renal cell carcinoma. Review status: no classification provided. Collection method: in vitro. Allele origin: not applicable. Functional consequence: skipped exon, retained intron. Not counted in ClinVar's aggregate classification.

NM_001001548.3(CD36):c.1255-1G>C

Gene: CD36 (CD36 molecule (CD36 blood group); plus strand). Cytogenetic location: 7q21.11.
Variant type: single nucleotide variant.
Coding change: c.1255-1G>C on transcript NM_001001548.3 (MANE Select); the canonical splice acceptor site of the intron before coding-DNA position 1255, G replaced by C.
Molecular consequence: splice acceptor variant.
Genome position (GRCh38, 1-based): chr7:80,673,982, G>C. VCF-style: chr7-80673982-G-C. GRCh37 (hg19) VCF-style: chr7-80303298-G-C.
Other names: NC_000007.13:g.80303298G>C; c.1255-1G>C (NM_001371075.1, NM_001001547.3, NM_001371074.1 and 5 more transcripts); c.790-1G>C (NM_001371081.1, NM_001371080.1); c.1027-1G>C (NM_001289911.2); c.1153-1G>C (NM_001371079.1); c.1075-1G>C (NM_001289909.1); c.1138-1G>C (NM_001289908.1).
Identifiers: ClinVar variation 2634110 (VCV002634110.2), dbSNP rs375042355, ClinGen allele CA4315793.
Genomic context (GRCh38, chr7:80,673,982, plus strand): 5'-GAAGGGTTTATTTTGTTTTACTAACGTACCCAAATAATGTTGATTATTAACTTGATTACA[G>C]ACTGGGACCATTGGTGATGAGAAGGCAAACATGTTCAGAAGTCAAGTAACTGGAAAAATA-3'